The following is an entry in ClinVar:

NM_199355.4(ADAMTS18):c.3588C>A (p.His1196Gln)

Gene: ADAMTS18 (ADAM metallopeptidase with thrombospondin type 1 motif 18; minus strand). Cytogenetic location: 16q23.1.
Variant type: single nucleotide variant.
Coding change: c.3588C>A on transcript NM_199355.4 (MANE Select); coding-DNA position 3588, C replaced by A.
Protein change: p.His1196Gln; replaces histidine 1196 with glutamine.
Molecular consequence: missense variant.
Genome position (GRCh38, 1-based): chr16:77,284,034, G>T on the plus strand (C>A on the coding strand, the complement: ADAMTS18 is on the minus strand). VCF-style: chr16-77284034-G-T. GRCh37 (hg19) VCF-style: chr16-77317931-G-T.
Other names: c.3072C>A, p.His1024Gln (NM_001326358.2); short protein forms H1024Q, H1196Q.
Identifiers: ClinVar variation 1717343 (VCV001717343.5), dbSNP rs752084827, ClinGen allele CA396829642.
Genomic context (GRCh38, chr16:77,284,034, plus strand): 5'-TGACTTGCAGCATTGTTTTCCGTAAAACTTGTGGTTGCAGACACCATGCTGAGGAACTAG[G>T]TGACACCAGTTGAAGAAATCTACGCAGGATGGATCCTCTAAAATAAGAAAATATATTTAG-3'
Protein context (NP_955387.1, residues 1186-1206): PSCVDFFNWC[His1196Gln]LVPQHGVCNH

ClinVar aggregate classification (germline): Uncertain significance (1 of 4 stars; one submission).

Submission:

Labcorp Genetics (formerly Invitae), Labcorp
Classification: Uncertain significance. Last evaluated: 2025-01-13. Review status: criteria provided, single submitter. Criteria: Invitae Variant Classification Sherloc (09022015). Collection method: clinical testing. Allele origin: germline.
Comment: This sequence change replaces histidine, which is basic and polar, with glutamine, which is neutral and polar, at codon 1196 of the ADAMTS18 protein (p.His1196Gln). This variant is not present in population databases (gnomAD no frequency). This variant has not been reported in the literature in individuals affected with ADAMTS18-related conditions. ClinVar contains an entry for this variant (Variation ID: 1717343). An algorithm developed to predict the effect of missense changes on protein structure and function (PolyPhen-2) suggests that this variant is likely to be tolerated. In summary, the available evidence is currently insufficient to determine the role of this variant in disease. Therefore, it has been classified as a Variant of Uncertain Significance.